The following is an entry in ClinVar:

ClinVar aggregate classification (germline): Uncertain significance (1 of 4 stars; one submission).

gnomAD v4.1: 3 of 1,553,522 alleles (0.00019%); highest among the groups gnomAD compares: East Asian, 0.0024%; no homozygotes.

Submission:

Labcorp Genetics (formerly Invitae), Labcorp
Classification: Uncertain significance. Last evaluated: 2024-01-04. Review status: criteria provided, single submitter. Criteria: Invitae Variant Classification Sherloc (09022015). Collection method: clinical testing. Allele origin: germline.
Comment: This sequence change affects codon 27 of the THAP11 mRNA. It is a 'silent' change, meaning that it does not change the encoded amino acid sequence of the THAP11 protein. This variant is not present in population databases (gnomAD no frequency). This variant has not been reported in the literature in individuals affected with THAP11-related conditions. In summary, the available evidence is currently insufficient to determine the role of this variant in disease. Therefore, it has been classified as a Variant of Uncertain Significance.

NM_020457.3(THAP11):c.81A>C (p.Pro27=)

Genes: CENPT (centromere protein T; minus strand), THAP11 (THAP domain containing 11; plus strand). Cytogenetic location: 16q22.1.
Variant type: single nucleotide variant.
Coding change: c.81A>C on transcript NM_020457.3 (MANE Select); coding-DNA position 81, A replaced by C.
Protein change: p.Pro27=; no amino-acid change (proline 27 retained).
Molecular consequence: synonymous variant. On other transcripts: intron variant (1).
Genome position (GRCh38, 1-based): chr16:67,842,635, A>C. VCF-style: chr16-67842635-A-C. GRCh37 (hg19) VCF-style: chr16-67876538-A-C.
Other names: c.-492+4766T>G (NM_025082.4).
Identifiers: ClinVar variation 2893792 (VCV002893792.3), dbSNP rs763532068, ClinGen allele CA283194988.